The following is an entry in ClinVar:

ClinVar aggregate classification (germline): Likely benign (1 of 4 stars; one submission).

gnomAD v4.1: 4 of 1,613,960 alleles (0.00025%); highest among the groups gnomAD compares: Admixed American, 0.0017%; no homozygotes.

Submission:

CeGaT Center for Human Genetics Tuebingen
Classification: Likely benign. Last evaluated: 2024-11-01. Review status: criteria provided, single submitter. Criteria: CeGaT Center For Human Genetics Tuebingen Variant Classification Criteria Version 2. Collection method: clinical testing. Allele origin: germline. Affected: yes. Observed: 1 variant allele.
Comment: MMP14: BP4, BP7

NM_004995.4(MMP14):c.153T>C (p.Arg51=)

Gene: MMP14 (matrix metallopeptidase 14; plus strand). Cytogenetic location: 14q11.2.
Variant type: single nucleotide variant.
Coding change: c.153T>C on transcript NM_004995.4 (MANE Select); coding-DNA position 153, T replaced by C.
Protein change: p.Arg51=; no amino-acid change (arginine 51 retained).
Molecular consequence: synonymous variant.
Genome position (GRCh38, 1-based): chr14:22,841,535, T>C. VCF-style: chr14-22841535-T-C. GRCh37 (hg19) VCF-style: chr14-23310744-T-C.
Identifiers: ClinVar variation 3388394 (VCV003388394.14).